The following is an entry in ClinVar:

ClinVar aggregate classification (germline): Uncertain significance (1 of 4 stars; one submission).

Conditions:
Inborn genetic diseases. Identifiers: MedGen C0950123, MeSH D030342.

Submission:

Ambry Genetics
Classification: Uncertain significance for Inborn genetic diseases. Last evaluated: 2026-02-26. Review status: criteria provided, single submitter. Criteria: Ambry Variant Classification Scheme 2023. Collection method: clinical testing. Allele origin: germline.
Comment: The p.D105A variant (also known as c.314A>C), located in coding exon 1 of the CEBPA gene, results from an A to C substitution at nucleotide position 314. The aspartic acid at codon 105 is replaced by alanine, an amino acid with dissimilar properties. This amino acid position is conserved. In addition, this alteration is predicted to be tolerated by in silico analysis. Based on the available evidence, the clinical significance of this variant remains unclear.

NM_004364.5(CEBPA):c.314A>C (p.Asp105Ala)

Gene: CEBPA (CCAAT enhancer binding protein alpha; minus strand). Cytogenetic location: 19q13.11.
Variant type: single nucleotide variant.
Coding change: c.314A>C on transcript NM_004364.5 (MANE Select); coding-DNA position 314, A replaced by C.
Protein change: p.Asp105Ala; replaces aspartic acid 105 with alanine.
Molecular consequence: missense variant. On other transcripts: 5 prime UTR variant (1).
Genome position (GRCh38, 1-based): chr19:33,302,101, T>G on the plus strand (A>C on the coding strand, the complement: CEBPA is on the minus strand). VCF-style: chr19-33302101-T-G. GRCh37 (hg19) VCF-style: chr19-33793007-T-G.
Other names: c.-44A>C (NM_001285829.2); c.419A>C, p.Asp140Ala (NM_001287424.2); c.272A>C, p.Asp91Ala (NM_001287435.2); short protein forms D140A, D91A, D105A.
Identifiers: ClinVar variation 4834884 (VCV004834884.1).
Genomic context (GRCh38, chr19:33,302,101, plus strand): 5'-TGCGCTCCCCCGGGCATGACGGCGCCGCCGGGGCCCGCGGGCGCGCCCGGGTAGTCAAAG[T>G]CGCCGCCGCCGCCGCCGCCCGTGGGGCCCACGGCCGCCTTGGCCTTCTCCTGCTGCCGGC-3'
Protein context (NP_004355.2, residues 95-115): VGPTGGGGGG[Asp105Ala]FDYPGAPAGP